The following is an entry in ClinVar:

NM_001127222.2(CACNA1A):c.6220G>A (p.Gly2074Ser)

Gene: CACNA1A (calcium voltage-gated channel subunit alpha1 A; minus strand). Cytogenetic location: 19p13.13.
Variant type: single nucleotide variant.
Coding change: c.6220G>A on transcript NM_001127222.2 (MANE Select); coding-DNA position 6220, G replaced by A.
Protein change: p.Gly2074Ser; replaces glycine 2074 with serine.
Molecular consequence: missense variant.
Genome position (GRCh38, 1-based): chr19:13,212,186, C>T on the plus strand (G>A on the coding strand, the complement: CACNA1A is on the minus strand). VCF-style: chr19-13212186-C-T. GRCh37 (hg19) VCF-style: chr19-13323000-C-T.
Other names: c.6238G>A, p.Gly2080Ser (NM_000068.4, NM_023035.3); c.6223G>A, p.Gly2075Ser (NM_001127221.2); c.6229G>A, p.Gly2077Ser (NM_001174080.2); short protein forms G2075S, G2080S, G2077S, G2074S.
Identifiers: ClinVar variation 963504 (VCV000963504.15), dbSNP rs376910068, ClinGen allele CA9239428.

ClinVar aggregate classification (germline): Uncertain significance. Review status: criteria provided, multiple submitters, no conflicts (2 of 4 stars). 3 submissions from 3 submitters: Uncertain significance (3). Last evaluated 2025-03-16.

Conditions:
Developmental and epileptic encephalopathy, 42 (DEE42A). Also called: DEVELOPMENTAL AND EPILEPTIC ENCEPHALOPATHY 42A; EPILEPTIC ENCEPHALOPATHY, EARLY INFANTILE, 42A; Epileptic encephalopathy, early infantile, 42. Identifiers: MedGen C4310716, MONDO:0014917, OMIM 617106.
Episodic ataxia type 2 (EA2). Also called: ATAXIA, EPISODIC, WITH NYSTAGMUS; ATAXIA, FAMILIAL PAROXYSMAL; CEREBELLAR ATAXIA, PAROXYSMAL, ACETAZOLAMIDE-RESPONSIVE; ACETAZOLAMIDE-RESPONSIVE HEREDITARY PAROXYSMAL CEREBELLAR ATAXIA; CEREBELLOPATHY, HEREDITARY PAROXYSMAL; EPISODIC ATAXIA, NYSTAGMUS-ASSOCIATED. Identifiers: Orphanet 97, MedGen C1720416, MONDO:0007163, OMIM 108500.

Allele frequency attached by ClinVar (database versions not stated): TOPMed 0.00003; ExAC 0.00001; gnomAD 0.00002 and 0.00001; ESP Exome Variant Server 0.00008; gnomAD exomes 0.00001.
gnomAD v4.1: 17 of 1,613,796 alleles (0.0011%); highest among the groups gnomAD compares: Non-Finnish European, 0.0014%; no homozygotes.

Submissions (3):

Labcorp Genetics (formerly Invitae), Labcorp
Classification: Uncertain significance for Developmental and epileptic encephalopathy, 42; Episodic ataxia type 2. Last evaluated: 2025-03-16. Review status: criteria provided, single submitter. Criteria: Invitae Variant Classification Sherloc (09022015). Collection method: clinical testing. Allele origin: germline.
Comment: This sequence change replaces glycine, which is neutral and non-polar, with serine, which is neutral and polar, at codon 2075 of the CACNA1A protein (p.Gly2075Ser). This variant is present in population databases (rs376910068, gnomAD 0.002%). This variant has not been reported in the literature in individuals affected with CACNA1A-related conditions. ClinVar contains an entry for this variant (Variation ID: 963504). Invitae Evidence Modeling of protein sequence and biophysical properties (such as structural, functional, and spatial information, amino acid conservation, physicochemical variation, residue mobility, and thermodynamic stability) indicates that this missense variant is not expected to disrupt CACNA1A protein function with a negative predictive value of 95%. In summary, the available evidence is currently insufficient to determine the role of this variant in disease. Therefore, it has been classified as a Variant of Uncertain Significance.

GeneDx
Classification: Uncertain significance. Last evaluated: 2022-10-31. Review status: criteria provided, single submitter. Criteria: GeneDx Variant Classification Process June 2021. Collection method: clinical testing. Allele origin: germline. Affected: yes.
Comment: Not observed at significant frequency in large population cohorts (gnomAD); In silico analysis supports that this missense variant has a deleterious effect on protein structure/function; Has not been previously published as pathogenic or benign to our knowledge

Athena Diagnostics
Classification: Uncertain significance. Last evaluated: 2021-07-08. Review status: criteria provided, single submitter. Criteria: Athena Diagnostics Criteria. Collection method: clinical testing. Allele origin: unknown.